The following is an entry in ClinVar:

ClinVar aggregate classification (germline): Pathogenic (1 of 4 stars; one submission).

Conditions:
Familial adenomatous polyposis 1 (FAP1). Also called: FAMILIAL ADENOMATOUS POLYPOSIS 1, ATTENUATED; POLYPOSIS, ADENOMATOUS INTESTINAL. Identifiers: MedGen C2713442, MONDO:0021056, OMIM 175100. Disease mechanism: loss of function.

Submission:

Labcorp Genetics (formerly Invitae), Labcorp
Classification: Pathogenic for Familial adenomatous polyposis 1. Last evaluated: 2025-07-04. Review status: criteria provided, single submitter. Criteria: Invitae Variant Classification Sherloc (09022015). Collection method: clinical testing. Allele origin: germline.
Comment: This sequence change creates a premature translational stop signal (p.Ile446Leufs*6) in the APC gene. It is expected to result in an absent or disrupted protein product. Loss-of-function variants in APC are known to be pathogenic (PMID: 17963004, 20685668). This variant is not present in population databases (gnomAD no frequency). This variant has not been reported in the literature in individuals affected with APC-related conditions. For these reasons, this variant has been classified as Pathogenic.

Literature cited by the submitters: PubMed 17963004; PubMed 20685668.

NM_000038.6(APC):c.1336_1342del (p.Ile446fs)

Gene: APC (APC regulator of Wnt signaling pathway; plus strand). Cytogenetic location: 5q22.2.
Variant type: Deletion.
Coding change: c.1336_1342del on transcript NM_000038.6 (MANE Select); coding-DNA positions 1336 to 1342, 7 bases deleted (ATCTGTC; older notation c.1336_1342delATCTGTC).
Protein change: p.Ile446fs; shifts the reading frame from isoleucine 446.
Molecular consequence: frameshift variant. On other transcripts: non-coding transcript variant (2).
Genome position (GRCh38, 1-based): chr5:112,821,919-112,821,925, ATCTGTC deleted. VCF-style (leftmost placement, unchanged base first): chr5-112821918-GATCTGTC-G. GRCh37 (hg19) VCF-style: chr5-112157615-GATCTGTC-G.
Other names: c.1336_1342del, p.Ile446fs (NM_001127510.3, NM_001354895.2, NM_001354896.2 and 4 more transcripts); c.1282_1288del, p.Ile428fs (NM_001127511.3); c.1366_1372del, p.Ile456fs (NM_001354897.2, NM_001407446.1); c.1261_1267del, p.Ile421fs (NM_001354898.2, NM_001407451.1); c.1252_1258del, p.Ile418fs (NM_001354899.2, NM_001407452.1); c.1159_1165del, p.Ile387fs (NM_001354900.2, NM_001354901.2, NM_001407453.1); c.1063_1069del, p.Ile355fs (NM_001354902.2); c.1033_1039del, p.Ile345fs (NM_001354903.2, NM_001407454.1, NM_001407455.1 and 5 more transcripts); and 5 more; short protein forms I320fs, I387fs, I163fs, I355fs, I418fs, I456fs, I62fs, I421fs.
Identifiers: ClinVar variation 4722675 (VCV004722675.1).
Genomic context (GRCh38, chr5:112,821,918, plus strand): 5'-AACAAAGCATTATGGTTTATGTTGATTTTATTTTTCAGTGCCAGCTCCTGTTGAACATCA[GATCTGTC>G]CTGCTGTGTGTGTTCTAATGAAACTTTCATTTGATGAAGAGCATAGACATGCAATGAATG-3'